The following is an entry in ClinVar:

NM_007194.4(CHEK2):c.625C>T (p.Gln209Ter)

Gene: CHEK2 (checkpoint kinase 2; minus strand). Cytogenetic location: 22q12.1.
Variant type: single nucleotide variant.
Coding change: c.625C>T on transcript NM_007194.4 (MANE Select); coding-DNA position 625, C replaced by T.
Protein change: p.Gln209Ter; replaces glutamine 209 with a stop codon.
Molecular consequence: nonsense. On other transcripts: 5 prime UTR variant (2), intron variant (1).
Genome position (GRCh38, 1-based): chr22:28,719,453, G>A on the plus strand (C>T on the coding strand, the complement: CHEK2 is on the minus strand). VCF-style: chr22-28719453-G-A. GRCh37 (hg19) VCF-style: chr22-29115441-G-A.
Other names: c.754C>T, p.Gln252Ter (NM_001005735.3, NM_001438294.1); c.-39C>T (NM_001257387.3, NM_001437942.1); c.718C>T, p.Gln240Ter (NM_001438293.1, NM_001438295.1); c.625C>T, p.Gln209Ter (NM_145862.3); c.482+5433C>T (NM_001349956.3); short protein forms Q209*, Q252*, Q240*.
Identifiers: ClinVar variation 619676 (VCV000619676.14), dbSNP rs1569149953, ClinGen allele CA411105070.

ClinVar aggregate classification (germline): Pathogenic/Likely pathogenic. Review status: criteria provided, multiple submitters, no conflicts (2 of 4 stars). 5 submissions from 5 submitters: Pathogenic (3); Likely pathogenic (2). Last evaluated 2025-11-10.

Conditions:
Hereditary cancer-predisposing syndrome. Also called: Neoplastic Syndromes, Hereditary; Hereditary neoplastic syndrome; Tumor predisposition; Hereditary Cancer Syndrome. Identifiers: Orphanet 140162, MedGen C0027672, MeSH D009386, MONDO:0015356.
Familial cancer of breast. Also called: hereditary breast carcinoma; Hereditary breast cancer; BREAST CANCER, FAMILIAL. Identifiers: Orphanet 227535, MedGen C0346153, MONDO:0016419, OMIM 114480. Disease mechanism: loss of function.

Submissions (5):

Labcorp Genetics (formerly Invitae), Labcorp
Classification: Pathogenic for Familial cancer of breast. Last evaluated: 2025-11-10. Review status: criteria provided, single submitter. Criteria: Invitae Variant Classification Sherloc (09022015). Collection method: clinical testing. Allele origin: germline.
Comment: This sequence change creates a premature translational stop signal (p.Gln209*) in the CHEK2 gene. It is expected to result in an absent or disrupted protein product. Loss-of-function variants in CHEK2 are known to be pathogenic (PMID: 21876083, 24713400). This variant is not present in population databases (gnomAD no frequency). This premature translational stop signal has been observed in individual(s) with a personal or family history of breast cancer (PMID: 29752822). ClinVar contains an entry for this variant (Variation ID: 619676). Algorithms developed to predict the effect of sequence changes on RNA splicing suggest that this variant may disrupt the consensus splice site. For these reasons, this variant has been classified as Pathogenic.

Ambry Genetics
Classification: Pathogenic for Hereditary cancer-predisposing syndrome. Last evaluated: 2023-10-25. Review status: criteria provided, single submitter. Criteria: Ambry Variant Classification Scheme 2023. Collection method: clinical testing. Allele origin: germline.
Comment: The p.Q209* pathogenic mutation (also known as c.625C>T), located in coding exon 4 of the CHEK2 gene, results from a C to T substitution at nucleotide position 625. This changes the amino acid from a glutamine to a stop codon within coding exon 4. This alteration is expected to result in loss of function by premature protein truncation or nonsense-mediated mRNA decay. As such, this alteration is interpreted as a disease-causing mutation.

Myriad Genetics, Inc.
Classification: Pathogenic for Familial cancer of breast. Last evaluated: 2023-06-26. Review status: criteria provided, single submitter. Criteria: Myriad Autosomal Dominant, Autosomal Recessive and X-Linked Classification Criteria (2023). Collection method: clinical testing. Allele origin: unknown.
Comment: This variant is considered pathogenic. This variant creates a termination codon and is predicted to result in premature protein truncation.

Baylor Genetics
Classification: Likely pathogenic for Familial cancer of breast. Last evaluated: 2022-11-22. Review status: criteria provided, single submitter. Criteria: ACMG Guidelines, 2015. Collection method: clinical testing. Allele origin: unknown.

Quest Diagnostics Nichols Institute San Juan Capistrano
Classification: Likely pathogenic. Last evaluated: 2018-06-27. Review status: criteria provided, single submitter. Criteria: Quest Diagnostics criteria. Collection method: clinical testing. Allele origin: germline.

Literature cited by the submitters: PubMed 21876083 (cited by Labcorp Genetics (formerly Invitae), Labcorp); PubMed 24713400 (cited by Labcorp Genetics (formerly Invitae), Labcorp); PubMed 29752822 (cited by Labcorp Genetics (formerly Invitae), Labcorp).